The following is an entry in ClinVar:

NM_032447.5(FBN3):c.876C>T (p.Ala292=)

Gene: FBN3 (fibrillin 3; minus strand). Cytogenetic location: 19p13.2.
Variant type: single nucleotide variant.
Coding change: c.876C>T on transcript NM_032447.5 (MANE Select); coding-DNA position 876, C replaced by T.
Protein change: p.Ala292=; no amino-acid change (alanine 292 retained).
Molecular consequence: synonymous variant.
Genome position (GRCh38, 1-based): chr19:8,138,554, G>A on the plus strand (C>T on the coding strand, the complement: FBN3 is on the minus strand). VCF-style: chr19-8138554-G-A. GRCh37 (hg19) VCF-style: chr19-8203438-G-A.
Other names: c.876C>T (NM_001321431.1); c.876C>T, p.Ala292= (NM_001321431.2).
Identifiers: ClinVar variation 2715213 (VCV002715213.5), dbSNP rs368013519, ClinGen allele CA9153549.
Genomic context (GRCh38, chr19:8,138,554, plus strand): 5'-GTAGTGGCCGGCGAGGTCTCCAGCACAGCGGCCCCCGAAAAGCACTGAGAAGCAGGCGCC[G>A]GCCCGGTAGTCTGCAAAAGATCAGAGGGTGAGCCCATGAGCACAGGACATCAGTGACCAG-3'
Protein context (NP_115823.3, residues 282-302): DSSAACEDYR[Ala292=]GACFSVLFGG

ClinVar aggregate classification (germline): Likely benign. Review status: criteria provided, single submitter (1 of 4 stars). 2 submissions from 2 submitters: Likely benign (1). 1 of the submissions does not count toward it. Last evaluated 2025-05-30.

Conditions:
FBN3-related disorder. Also called: FBN3-related condition.

Allele frequency attached by ClinVar (database versions not stated): TOPMed 0.00003; ESP Exome Variant Server 0.00008; gnomAD 0.00009; ExAC 0.00025.
gnomAD v4.1: 279 of 1,607,792 alleles (0.017%); highest among the groups gnomAD compares: South Asian, 0.19%; 1 homozygote.

Submissions (2):

Labcorp Genetics (formerly Invitae), Labcorp
Classification: Likely benign. Last evaluated: 2025-05-30. Review status: criteria provided, single submitter. Criteria: Invitae Variant Classification Sherloc (09022015). Collection method: clinical testing. Allele origin: germline.

PreventionGenetics, part of Exact Sciences
Classification: Likely benign for FBN3-related condition. Last evaluated: 2019-04-04. Review status: no assertion criteria provided. Collection method: clinical testing. Allele origin: germline. Not counted in ClinVar's aggregate classification.
Comment: This variant is classified as likely benign based on ACMG/AMP sequence variant interpretation guidelines (Richards et al. 2015 PMID: 25741868, with internal and published modifications).